The following is an entry in ClinVar:

ClinVar aggregate classification (germline): Likely benign. Review status: criteria provided, multiple submitters, no conflicts (2 of 4 stars). 3 submissions from 3 submitters: Likely benign (3). Last evaluated 2023-04-10.

Conditions:
Familial thoracic aortic aneurysm and aortic dissection (TAAD). Also called: Thoracic aortic aneurysms and dissections. Identifiers: Orphanet 91387, MedGen C4707243, MONDO:0019625.

Allele frequency attached by ClinVar (database versions not stated): ExAC 0.00001.
gnomAD v4.1: 3 of 1,614,112 alleles (0.00019%); highest among the groups gnomAD compares: Non-Finnish European, 0.000085%; no homozygotes.

Submissions (3):

All of Us Research Program, National Institutes of Health
Classification: Likely benign for Familial thoracic aortic aneurysm and aortic dissection. Last evaluated: 2023-04-10. Review status: criteria provided, single submitter. Criteria: ACMG Guidelines, 2015. Collection method: clinical testing. Allele origin: germline. Inheritance: Autosomal dominant inheritance. Observed: 1 variant allele, 1 heterozygote.
Comment: This study involves interpretation of variants in research participants for the purpose of population health screening. Participant phenotype was not available at the time of variant classification. Additional details can be found in publication PMID: 35346344, PMCID: PMC8962531

Color Diagnostics, LLC DBA Color Health
Classification: Likely benign for Familial thoracic aortic aneurysm and aortic dissection. Last evaluated: 2022-11-06. Review status: criteria provided, single submitter. Criteria: ACMG Guidelines, 2015. Collection method: clinical testing. Allele origin: germline.

Ambry Genetics
Classification: Likely benign for Familial thoracic aortic aneurysm and aortic dissection. Last evaluated: 2020-10-22. Review status: criteria provided, single submitter. Criteria: Ambry Variant Classification Scheme 2023. Collection method: clinical testing. Allele origin: germline.

NM_002474.3(MYH11):c.3951C>G (p.Leu1317=)

Genes: MYH11 (myosin heavy chain 11; minus strand), NDE1 (nudE neurodevelopment protein 1; plus strand). Cytogenetic location: 16p13.11.
Variant type: single nucleotide variant.
Coding change: c.3951C>G on transcript NM_002474.3 (MANE Select); coding-DNA position 3951, C replaced by G.
Protein change: p.Leu1317=; no amino-acid change (leucine 1317 retained).
Molecular consequence: synonymous variant. On other transcripts: 3 prime UTR variant (2).
Genome position (GRCh38, 1-based): chr16:15,724,900, G>C on the plus strand (C>G on the coding strand, the complement: MYH11 is on the minus strand). VCF-style: chr16-15724900-G-C. GRCh37 (hg19) VCF-style: chr16-15818757-G-C.
Other names: c.3972C>G, p.Leu1324= (NM_001040113.2, NM_001040114.2); c.3951C>G, p.Leu1317= (NM_022844.3); c.*649G>C (NM_001143979.2, NM_017668.3).
Identifiers: ClinVar variation 1736442 (VCV001736442.4), dbSNP rs772957793, ClinGen allele CA7921832.